The following is an entry in ClinVar:

NM_006231.4(POLE):c.2887G>C (p.Gly963Arg)

Gene: POLE (DNA polymerase epsilon, catalytic subunit; minus strand). Cytogenetic location: 12q24.33.
Variant type: single nucleotide variant.
Coding change: c.2887G>C on transcript NM_006231.4 (MANE Select); coding-DNA position 2887, G replaced by C.
Protein change: p.Gly963Arg; replaces glycine 963 with arginine.
Molecular consequence: missense variant.
Genome position (GRCh38, 1-based): chr12:132,661,142, C>G on the plus strand (G>C on the coding strand, the complement: POLE is on the minus strand). VCF-style: chr12-132661142-C-G. GRCh37 (hg19) VCF-style: chr12-133237728-C-G.
Other names: c.2887G>C (NM_006231.2); short protein forms G963R.
Identifiers: ClinVar variation 1009931 (VCV001009931.9), dbSNP rs751237672, ClinGen allele CA387392859.
Genomic context (GRCh38, chr12:132,661,142, plus strand): 5'-TAATCAGCTGCAGTTCCCCGCGGCGTTTGACCTCAAAGCCCTTGAGCTCAGCCAGAGAAC[C>G]GTCTTCATTGAACACAGCATACCTGAAAAAAAAAAAAAAGGCAAGCACAGCAGTGGCAAG-3'
Protein context (NP_006222.2, residues 953-973): KKRYAVFNED[Gly963Arg]SLAELKGFEV

ClinVar aggregate classification (germline): Uncertain significance. Review status: criteria provided, multiple submitters, no conflicts (2 of 4 stars). 2 submissions from 2 submitters: Uncertain significance (2). Last evaluated 2025-11-04.

Conditions:
Hereditary cancer-predisposing syndrome. Also called: Tumor predisposition; Hereditary neoplastic syndrome; Neoplastic Syndromes, Hereditary; Hereditary Cancer Syndrome. Identifiers: Orphanet 140162, MedGen C0027672, MeSH D009386, MONDO:0015356.

Submissions (2):

Labcorp Genetics (formerly Invitae), Labcorp
Classification: Uncertain significance. Last evaluated: 2025-11-04. Review status: criteria provided, single submitter. Criteria: Invitae Variant Classification Sherloc (09022015). Collection method: clinical testing. Allele origin: germline.
Comment: This sequence change replaces glycine, which is neutral and non-polar, with arginine, which is basic and polar, at codon 963 of the POLE protein (p.Gly963Arg). This variant is not present in population databases (gnomAD no frequency). This variant has not been reported in the literature in individuals affected with POLE-related conditions. ClinVar contains an entry for this variant (Variation ID: 1009931). Invitae Evidence Modeling of protein sequence and biophysical properties (such as structural, functional, and spatial information, amino acid conservation, physicochemical variation, residue mobility, and thermodynamic stability) has been performed for this missense variant. However, the output from this modeling did not meet the statistical confidence thresholds required to predict the impact of this variant on POLE protein function. In summary, the available evidence is currently insufficient to determine the role of this variant in disease. Therefore, it has been classified as a Variant of Uncertain Significance.

Ambry Genetics
Classification: Uncertain significance for Hereditary cancer-predisposing syndrome. Last evaluated: 2025-05-25. Review status: criteria provided, single submitter. Criteria: Ambry Variant Classification Scheme 2023. Collection method: clinical testing. Allele origin: germline.
Comment: The p.G963R variant (also known as c.2887G>C), located in coding exon 25 of the POLE gene, results from a G to C substitution at nucleotide position 2887. The glycine at codon 963 is replaced by arginine, an amino acid with dissimilar properties. This amino acid position is highly conserved in available vertebrate species. In addition, this alteration is predicted to be deleterious by in silico analysis. Based on the available evidence, the clinical significance of this variant remains unclear.